The following is an entry in ClinVar:

NM_000059.4(BRCA2):c.6742C>G (p.His2248Asp)

Gene: BRCA2 (BRCA2 DNA repair associated; plus strand). Cytogenetic location: 13q13.1.
Variant type: single nucleotide variant.
Coding change: c.6742C>G on transcript NM_000059.4 (MANE Select); coding-DNA position 6742, C replaced by G.
Protein change: p.His2248Asp; replaces histidine 2248 with aspartic acid.
Molecular consequence: missense variant.
Genome position (GRCh38, 1-based): chr13:32,341,097, C>G. VCF-style: chr13-32341097-C-G. GRCh37 (hg19) VCF-style: chr13-32915234-C-G.
Other names: c.6742C>G (NM_000059.3); short protein forms H2248D.
Identifiers: ClinVar variation 1392913 (VCV001392913.10), dbSNP rs1350512388, ClinGen allele CA387791109.

ClinVar aggregate classification (germline): Conflicting classifications of pathogenicity. Review status: criteria provided, conflicting classifications (1 of 4 stars). 3 submissions from 3 submitters: Uncertain significance (2); Likely benign (1). Last evaluated 2025-05-22.

Conditions:
Hereditary cancer-predisposing syndrome. Also called: Neoplastic Syndromes, Hereditary; Hereditary neoplastic syndrome; Tumor predisposition; Hereditary Cancer Syndrome. Identifiers: Orphanet 140162, MedGen C0027672, MeSH D009386, MONDO:0015356.
Hereditary breast ovarian cancer syndrome. Also called: BRCA1- and BRCA2-Associated Hereditary Breast and Ovarian Cancer; Hereditary breast and ovarian cancer syndrome (HBOC); Hereditary breast and ovarian cancer syndrome; Hereditary breast and ovarian cancer; Breast and ovarian cancer; Hereditary breast and/or ovarian cancer syndrome. Identifiers: Orphanet 145, MedGen C0677776, MeSH D061325, MONDO:0003582. Disease mechanism: loss of function.

Allele frequency attached by ClinVar (database versions not stated): gnomAD exomes below 0.00001.

Submissions (3):

Ambry Genetics
Classification: Uncertain significance for Hereditary cancer-predisposing syndrome. Last evaluated: 2025-05-22. Review status: criteria provided, single submitter. Criteria: Ambry Variant Classification Scheme 2023. Collection method: clinical testing. Allele origin: germline.
Comment: The p.H2248D variant (also known as c.6742C>G), located in coding exon 10 of the BRCA2 gene, results from a C to G substitution at nucleotide position 6742. The histidine at codon 2248 is replaced by aspartic acid, an amino acid with similar properties. This amino acid position is not well conserved in available vertebrate species. In addition, the in silico prediction for this alteration is inconclusive. Based on the available evidence, the clinical significance of this variant remains unclear.

Labcorp Genetics (formerly Invitae), Labcorp
Classification: Uncertain significance for Hereditary breast ovarian cancer syndrome. Last evaluated: 2023-09-25. Review status: criteria provided, single submitter. Criteria: Invitae Variant Classification Sherloc (09022015). Collection method: clinical testing. Allele origin: germline.
Comment: This sequence change replaces histidine, which is basic and polar, with aspartic acid, which is acidic and polar, at codon 2248 of the BRCA2 protein (p.His2248Asp). In summary, the available evidence is currently insufficient to determine the role of this variant in disease. Therefore, it has been classified as a Variant of Uncertain Significance. Advanced modeling of protein sequence and biophysical properties (such as structural, functional, and spatial information, amino acid conservation, physicochemical variation, residue mobility, and thermodynamic stability) performed at Invitae indicates that this missense variant is not expected to disrupt BRCA2 protein function. ClinVar contains an entry for this variant (Variation ID: 1392913). This variant has not been reported in the literature in individuals affected with BRCA2-related conditions. This variant is present in population databases (no rsID available, gnomAD 0.003%).

University of Washington Department of Laboratory Medicine, University of Washington
Classification: Likely benign for Hereditary cancer-predisposing syndrome. Last evaluated: 2023-03-23. Review status: criteria provided, single submitter. Criteria: Dines et al. (Genet Med. 2020). Collection method: curation. Allele origin: germline.
Comment: Missense variant in a coldspot region where missense variants are very unlikely to be pathogenic (PMID:31911673).

BRCA2 exon 11 coldspot. Reclassification based on statistical prior probability.